The following is an entry in ClinVar:

ClinVar aggregate classification (germline): Benign/Likely benign. Review status: criteria provided, multiple submitters, no conflicts (2 of 4 stars). 4 submissions from 4 submitters: Benign (2); Likely benign (2). Last evaluated 2026-02-03.

Allele frequency attached by ClinVar (database versions not stated): ExAC 0.00385; gnomAD exomes 0.00600 and 0.00138; gnomAD 0.00315 and 0.00308; 1000 Genomes Project 0.00479; ESP Exome Variant Server 0.00031; TOPMed 0.00513; 1000 Genomes Project 30x 0.00515.
gnomAD v4.1: 2,472 of 1,614,062 alleles (0.15%); highest among the groups gnomAD compares: Admixed American, 3.9%; 57 homozygotes.

Submissions (4):

Labcorp Genetics (formerly Invitae), Labcorp
Classification: Benign. Last evaluated: 2026-02-03. Review status: criteria provided, single submitter. Criteria: Invitae Variant Classification Sherloc (09022015). Collection method: clinical testing. Allele origin: germline.

Mayo Clinic Laboratories, Mayo Clinic
Classification: Benign. Last evaluated: 2024-08-14. Review status: criteria provided, single submitter. Criteria: ACMG Guidelines, 2015. Collection method: clinical testing. Allele origin: germline. Observed: 3 variant alleles.
Comment: BA1, BP4_strong

GeneDx
Classification: Likely benign. Last evaluated: 2020-06-18. Review status: criteria provided, single submitter. Criteria: GeneDx Variant Classification Process June 2021. Collection method: clinical testing. Allele origin: germline. Affected: yes.

Breakthrough Genomics
Classification: Likely benign. Review status: criteria provided, single submitter. Criteria: ACMG Guidelines, 2015. Collection method: not provided. Allele origin: germline. Inheritance: Autosomal dominant inheritance. Affected: yes.

NM_212482.4(FN1):c.4219A>G (p.Ile1407Val)

Genes: FN1 (fibronectin 1; minus strand), LOC126806497 (BRD4-independent group 4 enhancer GRCh37_chr2:216255920-216257119; plus strand). Cytogenetic location: 2q35.
Variant type: single nucleotide variant.
Coding change: c.4219A>G on transcript NM_212482.4 (MANE Select); coding-DNA position 4219, A replaced by G.
Protein change: p.Ile1407Val; replaces isoleucine 1407 with valine.
Molecular consequence: missense variant.
Genome position (GRCh38, 1-based): chr2:215,391,665, T>C on the plus strand (A>G on the coding strand, the complement: FN1 is on the minus strand). VCF-style: chr2-215391665-T-C. GRCh37 (hg19) VCF-style: chr2-216256388-T-C.
Other names: p.Ile1407Val; c.4219A>G, p.Ile1407Val (NM_001306129.2, NM_001306130.2, NM_001365517.2 and 3 more transcripts); c.3946A>G, p.Ile1316Val (NM_001306131.2, NM_001306132.2, NM_001365518.2 and 7 more transcripts); c.4219A>G (NM_212482.3); short protein forms I1316V, I1407V.
Identifiers: ClinVar variation 770511 (VCV000770511.15), dbSNP rs150535452, ClinGen allele CA2094494.